The following is an entry in ClinVar:

NM_153460.4(IL17RC):c.41G>A (p.Arg14Gln)

Gene: IL17RC (interleukin 17 receptor C; plus strand). Cytogenetic location: 3p25.3.
Variant type: single nucleotide variant.
Coding change: c.41G>A on transcript NM_153460.4 (MANE Select); coding-DNA position 41, G replaced by A.
Protein change: p.Arg14Gln; replaces arginine 14 with glutamine.
Molecular consequence: missense variant. On other transcripts: non-coding transcript variant (1).
Genome position (GRCh38, 1-based): chr3:9,917,356, G>A. VCF-style: chr3-9917356-G-A. GRCh37 (hg19) VCF-style: chr3-9959040-G-A.
Other names: c.41G>A, p.Arg14Gln (NM_001203263.2, NM_001203264.2, NM_001203265.2 and 5 more transcripts); short protein forms R14Q.
Identifiers: ClinVar variation 933528 (VCV000933528.9), dbSNP rs112532783, ClinGen allele CA2246641.

ClinVar aggregate classification (germline): Uncertain significance. Review status: criteria provided, multiple submitters, no conflicts (2 of 4 stars). 2 submissions from 2 submitters: Uncertain significance (2). Last evaluated 2025-11-06.

Conditions:
Candidiasis, familial, 9 (CANDF9). Identifiers: Orphanet 1334, MedGen C4225324, MONDO:0014642, OMIM 616445.

Allele frequency attached by ClinVar (database versions not stated): ExAC 0.00003; gnomAD exomes 0.00003 and 0.00004; gnomAD 0.00006; ESP Exome Variant Server 0.00008; TOPMed 0.00011; 1000 Genomes Project 30x 0.00016; 1000 Genomes Project 0.00020.

Submissions (2):

Labcorp Genetics (formerly Invitae), Labcorp
Classification: Uncertain significance for Candidiasis, familial, 9. Last evaluated: 2025-11-06. Review status: criteria provided, single submitter. Criteria: Invitae Variant Classification Sherloc (09022015). Collection method: clinical testing. Allele origin: germline.
Comment: This sequence change replaces arginine, which is basic and polar, with glutamine, which is neutral and polar, at codon 14 of the IL17RC protein (p.Arg14Gln). This variant is present in population databases (rs112532783, gnomAD 0.02%). This variant has not been reported in the literature in individuals affected with IL17RC-related conditions. ClinVar contains an entry for this variant (Variation ID: 933528). An algorithm developed to predict the effect of missense changes on protein structure and function (PolyPhen-2) suggests that this variant is likely to be tolerated. In summary, the available evidence is currently insufficient to determine the role of this variant in disease. Therefore, it has been classified as a Variant of Uncertain Significance.

Ambry Genetics
Classification: Uncertain significance. Last evaluated: 2025-06-22. Review status: criteria provided, single submitter. Criteria: Ambry Variant Classification Scheme 2023. Collection method: clinical testing. Allele origin: germline.